The following is an entry in ClinVar:

ClinVar aggregate classification (germline): Pathogenic/Likely pathogenic. Review status: criteria provided, multiple submitters, no conflicts (2 of 4 stars). 11 submissions from 11 submitters: Pathogenic (3); Likely pathogenic (3). 5 of the submissions do not count toward it. Last evaluated 2024-03-17.

Conditions:
WDR35-related disorder. Also called: WDR35-related condition; WDR35-related disorders. Identifiers: MedGen CN239419.
Short-rib thoracic dysplasia 7 with or without polydactyly (SRTD7). Also called: Short rib polydactyly syndrome 5; SHORT-RIB THORACIC DYSPLASIA 7 WITH POLYDACTYLY. Identifiers: Orphanet 498497, Orphanet 93271, MedGen C3279792, MONDO:0013569, OMIM 614091.
Short-rib thoracic dysplasia 6 with or without polydactyly (SRTD6). Also called: SHORT RIB-POLYDACTYLY SYNDROME, TYPE IIA; Majewski Syndrome; SHORT-RIB THORACIC DYSPLASIA 6 WITH POLYDACTYLY; SHORT-RIB THORACIC DYSPLASIA 6 WITHOUT POLYDACTYLY; POLYDACTYLY WITH NEONATAL CHONDRODYSTROPHY, TYPE II. Identifiers: MedGen C0024507, MONDO:0009894, OMIM 263520.
Cranioectodermal dysplasia 2 (CED2). Identifiers: Orphanet 1515, MedGen C3150874, MONDO:0013323, OMIM 613610.

Allele frequency attached by ClinVar (database versions not stated): gnomAD exomes 0.00001.
gnomAD v4.1: 9 of 1,613,742 alleles (0.00056%); highest among the groups gnomAD compares: Non-Finnish European, 0.00076%; no homozygotes.

Submissions (11):

Genomic Medicine Center of Excellence, King Faisal Specialist Hospital and Research Centre
Classification: Likely pathogenic for Cranioectodermal dysplasia 2. Last evaluated: 2024-03-17. Review status: criteria provided, single submitter. Criteria: ACMG Guidelines, 2015. Collection method: research. Allele origin: germline.

Daryl Scott Lab, Baylor College of Medicine
Classification: Pathogenic for WDR35-related disorder. Last evaluated: 2024-01-01. Review status: criteria provided, single submitter. Criteria: ACMG Guidelines, 2015. Collection method: clinical testing. Allele origin: biparental. Affected: yes. Observed: 1 homozygote.
Comment: PS3, PS4, PM2, PP1, PP3

Clinical Genetics Laboratory, Skane University Hospital Lund
Classification: Likely pathogenic. Last evaluated: 2022-05-27. Review status: criteria provided, single submitter. Criteria: ACMG Guidelines, 2015. Collection method: clinical testing. Allele origin: germline. Affected: yes.

Baylor Genetics
Classification: Pathogenic for Cranioectodermal dysplasia 2. Last evaluated: 2019-12-13. Review status: criteria provided, single submitter. Criteria: ACMG Guidelines, 2015. Collection method: clinical testing. Allele origin: unknown. Affected: yes.
Comment: This variant was determined to be pathogenic according to ACMG Guidelines, 2015 [PMID:25741868].

Blueprint Genetics
Classification: Pathogenic for WDR35-related disorders. Last evaluated: 2018-10-14. Review status: criteria provided, single submitter. Criteria: ACMG Guidelines, 2015. Collection method: clinical testing. Allele origin: germline. Affected: yes. Observed: 1 variant allele.

ARUP Laboratories, Molecular Genetics and Genomics, ARUP Laboratories
Classification: Likely pathogenic. Review status: criteria provided, single submitter. Criteria: ARUP Molecular Germline Variant Investigation Process 2024. Collection method: clinical testing. Allele origin: germline.
Comment: The WDR35 c.206G>A; p.Gly69Asp variant (rs765513105, ClinVar Variation ID 431796) is reported in the literature in the homozygous state in seven individuals from four consanguineous Middle Eastern families affected with autosomal recessive skeletal ciliopathies (Al Noaim 2023, Antony 2017, Petzold 2023, Shaheen 2016). This variant is absent from the Genome Aggregation Database (v2.1.1), indicating it is not a common polymorphism. Computational analyses are uncertain whether this variant is neutral or deleterious (REVEL: 0.591). Based on available information, this variant is considered to be likely pathogenic. References: Al Noaim K et al. Resolved Severe Primary Hypothyroidism in Sensenbrenner Syndrome Post Hepatorenal Transplantation: A Case Report. Horm Res Paediatr. 2023 PMID: 36513041 Antony D et al. Exome sequencing for the differential diagnosis of ciliary chondrodysplasias: Example of a WDR35 mutation case and review of the literature. Eur J Med Genet. 2017 Dec. PMID: 28870638 Petzold F et al. The genetic landscape and clinical spectrum of nephronophthisis and related ciliopathies. Kidney Int. 2023 Aug. PMID: 37230223 Shaheen R et al. Accelerating matchmaking of novel dysmorphology syndromes through clinical and genomic characterization of a large cohort. Genet Med. 2016 Jul. PMID: 26633546

Clinical Laboratory Sciences Program (CLSP), King Saud bin Abdulaziz University for Health Sciences (KSAU-HS)
Classification: Likely pathogenic for Short-rib thoracic dysplasia 7 with or without polydactyly. Last evaluated: 2023-04-01. Review status: no assertion criteria provided. Collection method: clinical testing. Allele origin: germline. Affected: yes. Not counted in ClinVar's aggregate classification.

Biochemical Molecular Genetic Laboratory, King Abdulaziz Medical City
Classification: Likely pathogenic for Cranioectodermal dysplasia 2. Last evaluated: 2019-09-26. Review status: no assertion criteria provided. Collection method: clinical testing. Allele origin: germline. Affected: yes. Not counted in ClinVar's aggregate classification.

Joint Genome Diagnostic Labs from Nijmegen and Maastricht, Radboudumc and MUMC+
Classification: Pathogenic for Cranioectodermal dysplasia 2. Last evaluated: 2017-08-15. Review status: no assertion criteria provided. Collection method: clinical testing. Allele origin: germline. Inheritance: Autosomal recessive inheritance. Affected: yes. Observed: 1 variant allele, 1 homozygote. Study: TREATCilia. Not counted in ClinVar's aggregate classification.

Dan Cohn Lab, University Of California Los Angeles
Classification: Uncertain significance for Short-rib thoracic dysplasia 6 with or without polydactyly. Last evaluated: 2017-06-01. Review status: no assertion criteria provided. Collection method: research. Allele origin: unknown. Affected: yes. Not counted in ClinVar's aggregate classification.

University of Washington Center for Mendelian Genomics, University of Washington
Classification: Likely pathogenic for short-rib polydactyly syndrome type II. Review status: no assertion criteria provided. Collection method: research. Allele origin: inherited. Affected: yes. Not counted in ClinVar's aggregate classification.

Literature cited by the submitters: PubMed 28870638 (cited by Joint Genome Diagnostic Labs from Nijmegen and Maastricht, Radboudumc and MUMC+); PubMed 29068549 (cited by Dan Cohn Lab, University Of California Los Angeles and University of Washington Center for Mendelian Genomics, University of Washington).

NM_020779.4(WDR35):c.206G>A (p.Gly69Asp)

Gene: WDR35 (WD repeat domain 35; minus strand). Cytogenetic location: 2p24.1.
Variant type: single nucleotide variant.
Coding change: c.206G>A on transcript NM_020779.4 (MANE Select); coding-DNA position 206, G replaced by A.
Protein change: p.Gly69Asp; replaces glycine 69 with aspartic acid.
Molecular consequence: missense variant.
Genome position (GRCh38, 1-based): chr2:19,982,471, C>T on the plus strand (G>A on the coding strand, the complement: WDR35 is on the minus strand). VCF-style: chr2-19982471-C-T. GRCh37 (hg19) VCF-style: chr2-20182232-C-T.
Other names: c.206G>A, p.Gly69Asp (NM_001006657.2); short protein forms G69D.
Identifiers: ClinVar variation 431796 (VCV000431796.29), dbSNP rs765513105, ClinGen allele CA43388469.